The following is an entry in ClinVar:

ClinVar aggregate classification (germline): Uncertain significance. Review status: criteria provided, multiple submitters, no conflicts (2 of 4 stars). 2 submissions from 2 submitters: Uncertain significance (2). Last evaluated 2025-07-06.

Conditions:
Gorlin syndrome. Also called: Nevoid Basal Cell Carcinoma Syndrome; Basal cell nevus syndrome. Identifiers: Orphanet 377, MedGen C0004779, MONDO:0007187.
Medulloblastoma (MDB). Also called: MEDULLOBLASTOMA PREDISPOSITION SYNDROME; Medulloblastoma, somatic. Identifiers: Orphanet 616, MedGen C0025149, MeSH D008527, MONDO:0007959, OMIM 155255, HP:0002885.
Hereditary cancer-predisposing syndrome. Also called: Neoplastic Syndromes, Hereditary; Tumor predisposition; Hereditary Cancer Syndrome; Hereditary neoplastic syndrome. Identifiers: Orphanet 140162, MedGen C0027672, MeSH D009386, MONDO:0015356.

Allele frequency attached by ClinVar (database versions not stated): gnomAD exomes below 0.00001; ExAC 0.00001; gnomAD 0.00001; TOPMed 0.00001; 1000 Genomes Project 30x 0.00016; 1000 Genomes Project 0.00020.

Submissions (2):

Labcorp Genetics (formerly Invitae), Labcorp
Classification: Uncertain significance for Gorlin syndrome; Medulloblastoma. Last evaluated: 2025-07-06. Review status: criteria provided, single submitter. Criteria: Invitae Variant Classification Sherloc (09022015). Collection method: clinical testing. Allele origin: germline.
Comment: This sequence change replaces isoleucine, which is neutral and non-polar, with valine, which is neutral and non-polar, at codon 381 of the SUFU protein (p.Ile381Val). This variant is present in population databases (rs574279090, gnomAD 0.006%). This variant has not been reported in the literature in individuals affected with SUFU-related conditions. ClinVar contains an entry for this variant (Variation ID: 1731414). Invitae Evidence Modeling of protein sequence and biophysical properties (such as structural, functional, and spatial information, amino acid conservation, physicochemical variation, residue mobility, and thermodynamic stability) indicates that this missense variant is not expected to disrupt SUFU protein function with a negative predictive value of 80%. In summary, the available evidence is currently insufficient to determine the role of this variant in disease. Therefore, it has been classified as a Variant of Uncertain Significance.

Ambry Genetics
Classification: Uncertain significance for Hereditary cancer-predisposing syndrome. Last evaluated: 2024-05-27. Review status: criteria provided, single submitter. Criteria: Ambry Variant Classification Scheme 2023. Collection method: clinical testing. Allele origin: germline.
Comment: The p.I381V variant (also known as c.1141A>G), located in coding exon 9 of the SUFU gene, results from an A to G substitution at nucleotide position 1141. The isoleucine at codon 381 is replaced by valine, an amino acid with highly similar properties. This amino acid position is well conserved in available vertebrate species. In addition, this alteration is predicted to be tolerated by in silico analysis. Since supporting evidence is limited at this time, the clinical significance of this alteration remains unclear.

NM_016169.4(SUFU):c.1141A>G (p.Ile381Val)

Gene: SUFU (SUFU negative regulator of hedgehog signaling; plus strand). Cytogenetic location: 10q24.32.
Variant type: single nucleotide variant.
Coding change: c.1141A>G on transcript NM_016169.4 (MANE Select); coding-DNA position 1141, A replaced by G.
Protein change: p.Ile381Val; replaces isoleucine 381 with valine.
Molecular consequence: missense variant.
Genome position (GRCh38, 1-based): chr10:102,615,386, A>G. VCF-style: chr10-102615386-A-G. GRCh37 (hg19) VCF-style: chr10-104375143-A-G.
Other names: c.1141A>G, p.Ile381Val (NM_001178133.2); short protein forms I381V.
Identifiers: ClinVar variation 1731414 (VCV001731414.8), dbSNP rs574279090, ClinGen allele CA5667874.